The following is an entry in ClinVar:

ClinVar aggregate classification (germline): Pathogenic (1 of 4 stars; one submission).

Allele frequency attached by ClinVar (database versions not stated): ExAC 0.00002; gnomAD exomes 0.00002 and 0.00003; TOPMed 0.00006.
gnomAD v4.1: 42 of 1,613,722 alleles (0.0026%); highest among the groups gnomAD compares: South Asian, 0.0033%; no homozygotes.

Submission:

GeneDx
Classification: Pathogenic. Last evaluated: 2025-09-17. Review status: criteria provided, single submitter. Criteria: GeneDx Variant Classification Process June 2021. Collection method: clinical testing. Allele origin: germline. Affected: yes.
Comment: Nonsense variant in the C-terminus predicted to result in protein truncation, as the last 2809 amino acids are lost, and other loss-of-function variants have been reported downstream in the Human Gene Mutation Database (HGMD); This variant is associated with the following publications: (PMID: 31365035, 34426522, 31589614, 36308042, 23297869, 16444271)

NM_002016.2(FLG):c.3757G>T (p.Gly1253Ter)

Genes: CCDST (cervical cancer associated DHX9 suppressive transcript; plus strand), FLG (filaggrin; minus strand). Cytogenetic location: 1q21.3.
Variant type: single nucleotide variant.
Coding change: c.3757G>T on transcript NM_002016.2 (MANE Select); coding-DNA position 3757, G replaced by T.
Protein change: p.Gly1253Ter; replaces glycine 1253 with a stop codon.
Molecular consequence: nonsense.
Genome position (GRCh38, 1-based): chr1:152,311,129, C>A on the plus strand (G>T on the coding strand, the complement: FLG is on the minus strand). VCF-style: chr1-152311129-C-A. GRCh37 (hg19) VCF-style: chr1-152283605-C-A.
Other names: short protein forms G1253*.
Identifiers: ClinVar variation 372767 (VCV000372767.4), dbSNP rs199895224, ClinGen allele CA1106529.
Genomic context (GRCh38, chr1:152,311,129, plus strand): 5'-CCTGGCTAACACTGGATCCCTGGTGCCTGCTTGTCCTGGACCCCGATGATTGTTCCTGTC[C>A]CACCTGTGAGTGTCTAGAGCTGTCAGCCCAAGAGGCAGCTTCATGGTGACGTGACCCTGA-3'